The following is an entry in ClinVar:

NM_007215.4(POLG2):c.1445C>T (p.Ala482Val)

Genes: POLG2 (DNA polymerase gamma 2, accessory subunit; minus strand), MILR1 (mast cell immunoglobulin like receptor 1; plus strand). Cytogenetic location: 17q23.3.
Variant type: single nucleotide variant.
Coding change: c.1445C>T on transcript NM_007215.4 (MANE Select); coding-DNA position 1445, C replaced by T.
Protein change: p.Ala482Val; replaces alanine 482 with valine.
Molecular consequence: missense variant.
Genome position (GRCh38, 1-based): chr17:64,477,836, G>A on the plus strand (C>T on the coding strand, the complement: POLG2 is on the minus strand). VCF-style: chr17-64477836-G-A. GRCh37 (hg19) VCF-style: chr17-62473953-G-A.
Other names: short protein forms A482V.
Identifiers: ClinVar variation 2016041 (VCV002016041.4), dbSNP rs2509512814, ClinGen allele CA400635243.

ClinVar aggregate classification (germline): Uncertain significance (1 of 4 stars; one submission).

Submission:

Labcorp Genetics (formerly Invitae), Labcorp
Classification: Uncertain significance. Last evaluated: 2022-07-11. Review status: criteria provided, single submitter. Criteria: Invitae Variant Classification Sherloc (09022015). Collection method: clinical testing. Allele origin: germline.
Comment: In summary, the available evidence is currently insufficient to determine the role of this variant in disease. Therefore, it has been classified as a Variant of Uncertain Significance. Algorithms developed to predict the effect of missense changes on protein structure and function are either unavailable or do not agree on the potential impact of this missense change (SIFT: "Deleterious"; PolyPhen-2: "Probably Damaging"; Align-GVGD: "Class C0"). This variant has not been reported in the literature in individuals affected with POLG2-related conditions. This variant is not present in population databases (gnomAD no frequency). This sequence change replaces alanine, which is neutral and non-polar, with valine, which is neutral and non-polar, at codon 482 of the POLG2 protein (p.Ala482Val).